The following is an entry in ClinVar:

NM_199420.4(POLQ):c.7387C>A (p.His2463Asn)

Gene: POLQ (DNA polymerase theta; minus strand). Cytogenetic location: 3q13.33.
Variant type: single nucleotide variant.
Coding change: c.7387C>A on transcript NM_199420.4 (MANE Select); coding-DNA position 7387, C replaced by A.
Protein change: p.His2463Asn; replaces histidine 2463 with asparagine.
Molecular consequence: missense variant.
Genome position (GRCh38, 1-based): chr3:121,439,994, G>T on the plus strand (C>A on the coding strand, the complement: POLQ is on the minus strand). VCF-style: chr3-121439994-G-T. GRCh37 (hg19) VCF-style: chr3-121158841-G-T.
Other names: short protein forms H2463N.
Identifiers: ClinVar variation 1758628 (VCV001758628.2), dbSNP rs1354150734, ClinGen allele CA354097665.

ClinVar aggregate classification (germline): Uncertain significance (1 of 4 stars; one submission).

gnomAD v4.1: 4 of 1,613,250 alleles (0.00025%); highest among the groups gnomAD compares: Non-Finnish European, 0.00034%; no homozygotes.

Submission:

Ambry Genetics
Classification: Uncertain significance. Last evaluated: 2021-11-16. Review status: criteria provided, single submitter. Criteria: Ambry Variant Classification Scheme 2023. Collection method: clinical testing. Allele origin: germline.
Comment: The p.H2463N variant (also known as c.7387C>A), located in coding exon 27 of the POLQ gene, results from a C to A substitution at nucleotide position 7387. The histidine at codon 2463 is replaced by asparagine, an amino acid with similar properties. This amino acid position is conserved. In addition, the in silico prediction for this alteration is inconclusive. Since supporting evidence is limited at this time, the clinical significance of this alteration remains unclear.